The following is an entry in ClinVar:

NM_013254.4(TBK1):c.1255A>G (p.Thr419Ala)

Gene: TBK1 (TANK binding kinase 1; plus strand). Cytogenetic location: 12q14.2.
Variant type: single nucleotide variant.
Coding change: c.1255A>G on transcript NM_013254.4 (MANE Select); coding-DNA position 1255, A replaced by G.
Protein change: p.Thr419Ala; replaces threonine 419 with alanine.
Molecular consequence: missense variant.
Genome position (GRCh38, 1-based): chr12:64,485,932, A>G. VCF-style: chr12-64485932-A-G. GRCh37 (hg19) VCF-style: chr12-64879712-A-G.
Other names: short protein forms T419A.
Identifiers: ClinVar variation 3637639 (VCV003637639.2).

ClinVar aggregate classification (germline): Uncertain significance (1 of 4 stars; one submission).

Conditions:
Frontotemporal dementia and/or amyotrophic lateral sclerosis 4. Also called: FTDALS4. Identifiers: Orphanet 275872, MedGen C4225325, MONDO:0014641, OMIM 616439.

Submission:

Labcorp Genetics (formerly Invitae), Labcorp
Classification: Uncertain significance for Frontotemporal dementia and/or amyotrophic lateral sclerosis 4. Last evaluated: 2024-10-04. Review status: criteria provided, single submitter. Criteria: Invitae Variant Classification Sherloc (09022015). Collection method: clinical testing. Allele origin: germline.
Comment: This sequence change replaces threonine, which is neutral and polar, with alanine, which is neutral and non-polar, at codon 419 of the TBK1 protein (p.Thr419Ala). This variant is not present in population databases (gnomAD no frequency). This variant has not been reported in the literature in individuals affected with TBK1-related conditions. Invitae Evidence Modeling of protein sequence and biophysical properties (such as structural, functional, and spatial information, amino acid conservation, physicochemical variation, residue mobility, and thermodynamic stability) indicates that this missense variant is not expected to disrupt TBK1 protein function with a negative predictive value of 95%. In summary, the available evidence is currently insufficient to determine the role of this variant in disease. Therefore, it has been classified as a Variant of Uncertain Significance.